The following is an entry in ClinVar:

NM_001252024.2(TRPM1):c.459C>T (p.Thr153=)

Gene: TRPM1 (transient receptor potential cation channel subfamily M member 1; minus strand). Cytogenetic location: 15q13.3.
Variant type: single nucleotide variant.
Coding change: c.459C>T on transcript NM_001252024.2 (MANE Select); coding-DNA position 459, C replaced by T.
Protein change: p.Thr153=; no amino-acid change (threonine 153 retained).
Molecular consequence: synonymous variant.
Genome position (GRCh38, 1-based): chr15:31,067,913, G>A on the plus strand (C>T on the coding strand, the complement: TRPM1 is on the minus strand). VCF-style: chr15-31067913-G-A. GRCh37 (hg19) VCF-style: chr15-31360116-G-A.
Other names: c.510C>T, p.Thr170= (NM_001252020.2); c.393C>T, p.Thr131= (NM_002420.6); c.510C>T (NM_001252020.1).
Identifiers: ClinVar variation 1086211 (VCV001086211.11), dbSNP rs753193614, ClinGen allele CA7452952.
Genomic context (GRCh38, chr15:31,067,913, plus strand): 5'-TCGGGAGGGAAAGGGCCTGCTCTTACCTGTGCTGACACCCCCGGTGAAGATCCAGGCCCC[G>A]GTGGTCATAGCAGCCTTGATCAGGCCTTTCCCAAAGACTTGTTTCAGCTTGGGCTGCATC-3'
Protein context (NP_001238953.1, residues 143-163): GKGLIKAAMT[Thr153=]GAWIFTGGVS

ClinVar aggregate classification (germline): Likely benign. Review status: criteria provided, multiple submitters, no conflicts (2 of 4 stars). 3 submissions from 3 submitters: Likely benign (3). Last evaluated 2025-12-22.

Conditions:
TRPM1-related disorder. Also called: TRPM1-related condition.

Allele frequency attached by ClinVar (database versions not stated): gnomAD 0.00005 and 0.00006; TOPMed 0.00010.
gnomAD v4.1: 44 of 1,613,532 alleles (0.0027%); highest among the groups gnomAD compares: African/African-American, 0.02%; no homozygotes.

Submissions (3):

Labcorp Genetics (formerly Invitae), Labcorp
Classification: Likely benign. Last evaluated: 2025-12-22. Review status: criteria provided, single submitter. Criteria: Invitae Variant Classification Sherloc (09022015). Collection method: clinical testing. Allele origin: germline.

PreventionGenetics, part of Exact Sciences
Classification: Likely benign for TRPM1-related condition. Last evaluated: 2025-06-25. Review status: criteria provided, single submitter. Criteria: ACMG Guidelines, 2015. Collection method: clinical testing. Allele origin: germline.
Comment: This variant is classified as likely benign based on ACMG/AMP sequence variant interpretation guidelines (Richards et al. 2015 PMID: 25741868, with internal and published modifications).

Blueprint Genetics
Classification: Likely benign. Last evaluated: 2021-06-08. Review status: criteria provided, single submitter. Criteria: ACMG Guidelines, 2015. Collection method: clinical testing. Allele origin: germline.